The following is an entry in ClinVar:

ClinVar aggregate classification (germline): Uncertain significance (1 of 4 stars; one submission).

Conditions:
Holocarboxylase synthetase deficiency. Also called: MULTIPLE CARBOXYLASE DEFICIENCY, EARLY ONSET. Identifiers: Orphanet 79242, MedGen C0268581, MONDO:0009666, OMIM 253270.

Allele frequency attached by ClinVar (database versions not stated): ExAC 0.00001; gnomAD exomes 0.00002 and 0.00004; TOPMed 0.00002; gnomAD 0.00003.
gnomAD v4.1: 59 of 1,614,092 alleles (0.0037%); highest among the groups gnomAD compares: Admixed American, 0.0083%; no homozygotes.

Submission:

Labcorp Genetics (formerly Invitae), Labcorp
Classification: Uncertain significance for Holocarboxylase synthetase deficiency. Last evaluated: 2021-09-02. Review status: criteria provided, single submitter. Criteria: Invitae Variant Classification Sherloc (09022015). Collection method: clinical testing. Allele origin: germline.
Comment: This sequence change replaces threonine with proline at codon 266 of the HLCS protein (p.Thr266Pro). The threonine residue is moderately conserved and there is a small physicochemical difference between threonine and proline. This variant is present in population databases (rs747122714, ExAC 0.009%). This variant has not been reported in the literature in individuals affected with HLCS-related conditions. Algorithms developed to predict the effect of missense changes on protein structure and function are either unavailable or do not agree on the potential impact of this missense change (SIFT: "Tolerated"; PolyPhen-2: "Possibly Damaging"; Align-GVGD: "Class C0"). In summary, the available evidence is currently insufficient to determine the role of this variant in disease. Therefore, it has been classified as a Variant of Uncertain Significance.

NM_001352514.2(HLCS):c.1237A>C (p.Thr413Pro)

Gene: HLCS (holocarboxylase synthetase; minus strand). Cytogenetic location: 21q22.13.
Variant type: single nucleotide variant.
Coding change: c.1237A>C on transcript NM_001352514.2 (MANE Select); coding-DNA position 1237, A replaced by C.
Protein change: p.Thr413Pro; replaces threonine 413 with proline.
Molecular consequence: missense variant. On other transcripts: non-coding transcript variant (2).
Genome position (GRCh38, 1-based): chr21:36,936,649, T>G on the plus strand (A>C on the coding strand, the complement: HLCS is on the minus strand). VCF-style: chr21-36936649-T-G. GRCh37 (hg19) VCF-style: chr21-38308949-T-G.
Other names: c.796A>C, p.Thr266Pro (NM_000411.8, NM_001242784.3, NM_001242785.2 and 4 more transcripts); short protein forms T413P, T266P.
Identifiers: ClinVar variation 1399075 (VCV001399075.5), dbSNP rs747122714, ClinGen allele CA10020615.
Genomic context (GRCh38, chr21:36,936,649, plus strand): 5'-TCAAGACGCTGAGCTTCACCTCGCTCTGGTCAGCCTTGGAGAAAACCAAGTTCTGGACTG[T>G]CTTGTGCAGTGCACCCTTGCTTGTCACCTGAAAGCCACCAAAGGTGAAGGATGAAGACAG-3'
Protein context (NP_001339443.1, residues 403-423): QVTSKGALHK[Thr413Pro]VQNLVFSKAD